The following is an entry in ClinVar:

NM_000053.4(ATP7B):c.2084T>C (p.Leu695Pro)

Gene: ATP7B (ATPase copper transporting beta; minus strand). Cytogenetic location: 13q14.3.
Variant type: single nucleotide variant.
Coding change: c.2084T>C on transcript NM_000053.4 (MANE Select); coding-DNA position 2084, T replaced by C.
Protein change: p.Leu695Pro; replaces leucine 695 with proline.
Molecular consequence: missense variant. On other transcripts: intron variant (13).
Genome position (GRCh38, 1-based): chr13:51,960,185, A>G on the plus strand (T>C on the coding strand, the complement: ATP7B is on the minus strand). VCF-style: chr13-51960185-A-G. GRCh37 (hg19) VCF-style: chr13-52534321-A-G.
Other names: c.1988T>C, p.Leu663Pro (NM_001406530.1, NM_001406536.1, NM_001406517.1 and 1 more transcripts); c.2084T>C, p.Leu695Pro (NM_001406534.1, NM_001406535.1, NM_001406537.1 and 16 more transcripts); c.1655T>C, p.Leu552Pro (NM_001406539.1); c.1870-2578T>C (NM_001406541.1, NM_001005918.3, NM_001406546.1 and 1 more transcripts); c.1870-1641T>C (NM_001406531.1, NM_001406532.1, NM_001406540.1 and 1 more transcripts); c.1774-1641T>C (NM_001406543.1); c.1286-10024T>C (NM_001406548.1); c.1708-2578T>C (NM_001406547.1, NM_001406545.1); and 3 more; short protein forms L552P, L584P, L663P, L684P, L695P.
Identifiers: ClinVar variation 4758745 (VCV004758745.1).

ClinVar aggregate classification (germline): Uncertain significance (1 of 4 stars; one submission).

Conditions:
Wilson disease (WND). Also called: Wilson's disease. Identifiers: Orphanet 905, MedGen C0019202, MONDO:0010200, OMIM 277900. Disease mechanism: loss of function.

gnomAD v4.1: 3 of 1,614,018 alleles (0.00019%); highest among the groups gnomAD compares: African/African-American, 0.0027%; no homozygotes.

Submission:

Color Diagnostics, LLC DBA Color Health
Classification: Uncertain significance for Wilson disease. Last evaluated: 2025-05-20. Review status: criteria provided, single submitter. Criteria: ACMG Guidelines, 2015. Collection method: clinical testing. Allele origin: germline.
Comment: This missense variant replaces leucine with proline at codon 695 of the ATP7B protein. Computational prediction suggests that this variant may have deleterious impact on protein structure and function. To our knowledge, functional studies have not been reported for this variant. This variant has not been reported in individuals affected with ATP7B-related disorders in the literature. This variant has not been identified in the general population by the Genome Aggregation Database (gnomAD). The available evidence is insufficient to determine the role of this variant in disease conclusively. Therefore, this variant is classified as a Variant of Uncertain Significance.